The following is an entry in ClinVar:

NM_000260.4(MYO7A):c.2119C>A (p.Arg707Ser)

Gene: MYO7A (myosin VIIA; plus strand). Cytogenetic location: 11q13.5.
Variant type: single nucleotide variant.
Coding change: c.2119C>A on transcript NM_000260.4 (MANE Select); coding-DNA position 2119, C replaced by A.
Protein change: p.Arg707Ser; replaces arginine 707 with serine.
Molecular consequence: missense variant.
Genome position (GRCh38, 1-based): chr11:77,175,396, C>A. VCF-style: chr11-77175396-C-A. GRCh37 (hg19) VCF-style: chr11-76886442-C-A.
Other names: c.2119C>A, p.Arg707Ser (NM_001127180.2); c.2086C>A, p.Arg696Ser (NM_001369365.1); short protein forms R696S, R707S.
Identifiers: ClinVar variation 991219 (VCV000991219.9), dbSNP rs190624231, ClinGen allele CA381939644.

ClinVar aggregate classification (germline): Uncertain significance. Review status: criteria provided, single submitter (1 of 4 stars). 2 submissions from 2 submitters: Uncertain significance (1). 1 of the submissions does not count toward it. Last evaluated 2024-12-16.

Conditions:
Usher syndrome type 1B (USH1B). Also called: Usher syndrome type IB. Identifiers: MedGen C1848638, MONDO:0700087.

gnomAD v4.1: 1 of 1,613,258 alleles (0.000062%); highest among the groups gnomAD compares: South Asian, 0.0011%; no homozygotes.

Submissions (2):

Labcorp Genetics (formerly Invitae), Labcorp
Classification: Uncertain significance. Last evaluated: 2024-12-16. Review status: criteria provided, single submitter. Criteria: Invitae Variant Classification Sherloc (09022015). Collection method: clinical testing. Allele origin: germline.
Comment: This sequence change replaces arginine, which is basic and polar, with serine, which is neutral and polar, at codon 707 of the MYO7A protein (p.Arg707Ser). This variant is not present in population databases (gnomAD no frequency). This variant has not been reported in the literature in individuals affected with MYO7A-related conditions. ClinVar contains an entry for this variant (Variation ID: 991219). Invitae Evidence Modeling of protein sequence and biophysical properties (such as structural, functional, and spatial information, amino acid conservation, physicochemical variation, residue mobility, and thermodynamic stability) indicates that this missense variant is not expected to disrupt MYO7A protein function with a negative predictive value of 95%. In summary, the available evidence is currently insufficient to determine the role of this variant in disease. Therefore, it has been classified as a Variant of Uncertain Significance.

Natera, Inc.
Classification: Uncertain significance for Usher syndrome type 1B. Last evaluated: 2020-09-04. Review status: no assertion criteria provided. Collection method: clinical testing. Allele origin: germline. Not counted in ClinVar's aggregate classification.